The following is an entry in ClinVar:

ClinVar aggregate classification (germline): Conflicting classifications of pathogenicity. Review status: criteria provided, conflicting classifications (1 of 4 stars). 3 submissions from 3 submitters: Uncertain significance (2); Likely benign (1). Last evaluated 2024-02-27.

Conditions:
Hereditary cancer-predisposing syndrome. Also called: Hereditary neoplastic syndrome; Neoplastic Syndromes, Hereditary; Tumor predisposition; Hereditary Cancer Syndrome. Identifiers: Orphanet 140162, MedGen C0027672, MeSH D009386, MONDO:0015356.
Microcephaly, normal intelligence and immunodeficiency (NBS). Also called: IMMUNODEFICIENCY, MICROCEPHALY, AND CHROMOSOMAL INSTABILITY; SEEMANOVA SYNDROME II; Nijmegen breakage syndrome; Microcephaly with normal intelligence immunodeficiency and lymphoreticular malignancies; Nonsyndromal microcephaly autosomal recessive with normal intelligence; Seemanova syndrome 2. Identifiers: Orphanet 647, MedGen C0398791, MONDO:0009623, OMIM 251260.

Submissions (3):

Ambry Genetics
Classification: Likely benign for Hereditary cancer-predisposing syndrome. Last evaluated: 2024-02-27. Review status: criteria provided, single submitter. Criteria: Ambry Variant Classification Scheme 2023. Collection method: clinical testing. Allele origin: germline.

Labcorp Genetics (formerly Invitae), Labcorp
Classification: Uncertain significance for Microcephaly, normal intelligence and immunodeficiency. Last evaluated: 2023-11-28. Review status: criteria provided, single submitter. Criteria: Invitae Variant Classification Sherloc (09022015). Collection method: clinical testing. Allele origin: germline.
Comment: This sequence change replaces glutamic acid, which is acidic and polar, with glutamine, which is neutral and polar, at codon 383 of the NBN protein (p.Glu383Gln). This variant is not present in population databases (gnomAD no frequency). This variant has not been reported in the literature in individuals affected with NBN-related conditions. ClinVar contains an entry for this variant (Variation ID: 483991). An algorithm developed to predict the effect of missense changes on protein structure and function (PolyPhen-2) suggests that this variant is likely to be disruptive. In summary, the available evidence is currently insufficient to determine the role of this variant in disease. Therefore, it has been classified as a Variant of Uncertain Significance.

Genome-Nilou Lab
Classification: Uncertain significance for Microcephaly, normal intelligence and immunodeficiency. Last evaluated: 2021-11-07. Review status: criteria provided, single submitter. Criteria: ACMG Guidelines, 2015. Collection method: clinical testing. Allele origin: germline. Affected: no.

NM_002485.5(NBN):c.1147G>C (p.Glu383Gln)

Gene: NBN (nibrin; minus strand). Cytogenetic location: 8q21.3.
Variant type: single nucleotide variant.
Coding change: c.1147G>C on transcript NM_002485.5 (MANE Select); coding-DNA position 1147, G replaced by C.
Protein change: p.Glu383Gln; replaces glutamic acid 383 with glutamine.
Molecular consequence: missense variant.
Genome position (GRCh38, 1-based): chr8:89,955,533, C>G on the plus strand (G>C on the coding strand, the complement: NBN is on the minus strand). VCF-style: chr8-89955533-C-G. GRCh37 (hg19) VCF-style: chr8-90967761-C-G.
Other names: c.901G>C, p.Glu301Gln (NM_001024688.3); short protein forms E383Q, E301Q.
Identifiers: ClinVar variation 483991 (VCV000483991.19), dbSNP rs772909239, ClinGen allele CA371656492.